The following is an entry in ClinVar:

NM_000038.6(APC):c.3133C>T (p.Gln1045Ter)

Gene: APC (APC regulator of Wnt signaling pathway; plus strand). Cytogenetic location: 5q22.2.
Variant type: single nucleotide variant.
Coding change: c.3133C>T on transcript NM_000038.6 (MANE Select); coding-DNA position 3133, C replaced by T.
Protein change: p.Gln1045Ter; replaces glutamine 1045 with a stop codon.
Molecular consequence: nonsense.
Genome position (GRCh38, 1-based): chr5:112,838,727, C>T. VCF-style: chr5-112838727-C-T. GRCh37 (hg19) VCF-style: chr5-112174424-C-T.
Other names: c.3133C>T, p.Gln1045Ter (NM_001127510.3, NM_001354895.2); c.3079C>T, p.Gln1027Ter (NM_001127511.3); c.3187C>T, p.Gln1063Ter (NM_001354896.2); c.3163C>T, p.Gln1055Ter (NM_001354897.2); c.3058C>T, p.Gln1020Ter (NM_001354898.2); c.3049C>T, p.Gln1017Ter (NM_001354899.2); c.3010C>T, p.Gln1004Ter (NM_001354900.2); c.2956C>T, p.Gln986Ter (NM_001354901.2); and 5 more; short protein forms Q1004*, Q1017*, Q1020*, Q1027*, Q1045*, Q1055*, Q1063*, Q762*.
Identifiers: ClinVar variation 1163452 (VCV001163452.12), dbSNP rs2149885099, ClinGen allele CA16028199.

ClinVar aggregate classification (germline): Pathogenic/Likely pathogenic. Review status: criteria provided, multiple submitters, no conflicts (2 of 4 stars). 5 submissions from 5 submitters: Pathogenic (3); Likely pathogenic (2). Last evaluated 2025-10-11.

Conditions:
Familial adenomatous polyposis 1 (FAP1). Also called: POLYPOSIS, ADENOMATOUS INTESTINAL; FAMILIAL ADENOMATOUS POLYPOSIS 1, ATTENUATED. Identifiers: MedGen C2713442, MONDO:0021056, OMIM 175100. Disease mechanism: loss of function.
Hereditary cancer-predisposing syndrome. Also called: Hereditary Cancer Syndrome; Hereditary neoplastic syndrome; Neoplastic Syndromes, Hereditary; Tumor predisposition. Identifiers: Orphanet 140162, MedGen C0027672, MeSH D009386, MONDO:0015356.

Submissions (5):

Labcorp Genetics (formerly Invitae), Labcorp
Classification: Pathogenic for Familial adenomatous polyposis 1. Last evaluated: 2025-10-11. Review status: criteria provided, single submitter. Criteria: Invitae Variant Classification Sherloc (09022015). Collection method: clinical testing. Allele origin: germline.
Comment: This sequence change creates a premature translational stop signal (p.Gln1045*) in the APC gene. While this is not anticipated to result in nonsense mediated decay, it is expected to disrupt the last 1799 amino acid(s) of the APC protein. This variant is not present in population databases (gnomAD no frequency). This premature translational stop signal has been observed in individual(s) with familial adenomatous polyposis (PMID: 7981688, 15951963). ClinVar contains an entry for this variant (Variation ID: 1163452). This variant is expected to disrupt the EB1 and HDLG binding sites, which mediate interactions with the cytoskeleton (PMID: 15311282, 17293347). While functional studies have not been performed to directly test the effect on APC protein function, this suggests that disruption of the C-terminal portion of the protein is functionally important. A different truncation (p.Tyr2645Lysfs*14) that lies downstream of this variant has been determined to be pathogenic (PMID: 9824584, 1316610, 27081525, 8381579, 22135120, internal data). This suggests that deletion of this region of the APC protein is causative of disease. For these reasons, this variant has been classified as Pathogenic.

Ambry Genetics
Classification: Pathogenic for Hereditary cancer-predisposing syndrome. Last evaluated: 2023-12-27. Review status: criteria provided, single submitter. Criteria: Ambry Variant Classification Scheme 2023. Collection method: clinical testing. Allele origin: germline.
Comment: The p.Q1045* pathogenic mutation (also known as c.3133C>T), located in coding exon 15 of the APC gene, results from a C to T substitution at nucleotide position 3133. This changes the amino acid from a glutamine to a stop codon within coding exon 15. This alteration has been reported in numerous families with familial adenomatous polyposis (FAP) (Gebert JF et al. Hum Mol Genet, 1994 Jul;3:1167-8; Mihalatos M et al. Cancer Genet Cytogenet, 2003 Feb;141:65-70; Bisgaard ML et al. Hum Mutat, 2004 May;23:522; Friedl W et al. Hered Cancer Clin Pract, 2005 Sep;3:95-114; Truta B et al. Fam Cancer, 2005;4:127-33; Lagarde A et al. J Med Genet, 2010 Oct;47:721-2; Azofra AS et al. Hered Cancer Clin Pract, 2016 Oct;14:20). This variant is considered to be rare based on population cohorts in the Genome Aggregation Database (gnomAD). This alteration occurs at the 3' terminus of theAPC gene, is not expected to trigger nonsense-mediated mRNA decay, and only impacts the last 1799 amino acids of the protein. However, premature stop codons are typically deleterious in nature, the impacted region is critical for protein function, and a significant portion of the protein is affected (Ambry internal data). Based on the supporting evidence, this alteration is interpreted as a disease-causing mutation.

Myriad Genetics, Inc.
Classification: Pathogenic for Familial adenomatous polyposis 1. Last evaluated: 2023-05-05. Review status: criteria provided, single submitter. Criteria: Myriad Autosomal Dominant, Autosomal Recessive and X-Linked Classification Criteria (2023). Collection method: clinical testing. Allele origin: unknown.
Comment: This variant is considered pathogenic. This variant creates a termination codon and is predicted to result in premature protein truncation.

Human Genetics Bochum, Ruhr University Bochum
Classification: Likely pathogenic for Familial adenomatous polyposis 1. Last evaluated: 2023-03-14. Review status: criteria provided, single submitter. Criteria: ACMG Guidelines, 2015. Collection method: clinical testing. Allele origin: germline. Affected: yes.
Comment: ACMG criteria used to clasify this variant:PVS1_STR, PS4_MOD, PM1, PM2_SUP

Mayo Clinic Laboratories, Mayo Clinic
Classification: Likely pathogenic. Last evaluated: 2020-12-04. Review status: criteria provided, single submitter. Criteria: ACMG Guidelines, 2015. Collection method: clinical testing. Allele origin: germline. Observed: 1 variant allele.
Comment: PVS1_Strong, PM2, PP4

Literature cited by the submitters: PubMed 7981688 (cited by Labcorp Genetics (formerly Invitae), Labcorp and Ambry Genetics); PubMed 15951963 (cited by Labcorp Genetics (formerly Invitae), Labcorp and Ambry Genetics); PubMed 15311282 (cited by Labcorp Genetics (formerly Invitae), Labcorp); PubMed 17293347 (cited by Labcorp Genetics (formerly Invitae), Labcorp); PubMed 9824584 (cited by Labcorp Genetics (formerly Invitae), Labcorp); PubMed 1316610 (cited by Labcorp Genetics (formerly Invitae), Labcorp); PubMed 27081525 (cited by Labcorp Genetics (formerly Invitae), Labcorp); PubMed 8381579 (cited by Labcorp Genetics (formerly Invitae), Labcorp); PubMed 22135120 (cited by Labcorp Genetics (formerly Invitae), Labcorp); PubMed 12581900 (cited by Ambry Genetics and Mayo Clinic Laboratories, Mayo Clinic); PubMed 15108286 (cited by Ambry Genetics); PubMed 20223039 (cited by Ambry Genetics and Mayo Clinic Laboratories, Mayo Clinic); PubMed 20685668 (cited by Ambry Genetics and Mayo Clinic Laboratories, Mayo Clinic); PubMed 27777639 (cited by Ambry Genetics); PubMed 9950360 (cited by Mayo Clinic Laboratories, Mayo Clinic).